The following is an entry in ClinVar:

ClinVar aggregate classification (germline): Pathogenic (1 of 4 stars; one submission).

Conditions:
Spastic paraplegia. Identifiers: MedGen C0037772, HP:0001258.

gnomAD v4.1: 1 of 1,611,702 alleles (0.000062%); highest among the groups gnomAD compares: Non-Finnish European, 0.000085%; no homozygotes.

Submission:

Labcorp Genetics (formerly Invitae), Labcorp
Classification: Pathogenic for Spastic paraplegia. Last evaluated: 2023-04-19. Review status: criteria provided, single submitter. Criteria: Invitae Variant Classification Sherloc (09022015). Collection method: clinical testing. Allele origin: germline.
Comment: For these reasons, this variant has been classified as Pathogenic. This variant has not been reported in the literature in individuals affected with ZFYVE26-related conditions. This variant is not present in population databases (gnomAD no frequency). This sequence change creates a premature translational stop signal (p.Gln1752*) in the ZFYVE26 gene. It is expected to result in an absent or disrupted protein product. Loss-of-function variants in ZFYVE26 are known to be pathogenic (PMID: 18394578, 19805727).

Literature cited by the submitters: PubMed 18394578; PubMed 19805727.

NM_015346.4(ZFYVE26):c.5254C>T (p.Gln1752Ter)

Gene: ZFYVE26 (zinc finger FYVE-type containing 26; minus strand). Cytogenetic location: 14q24.1.
Variant type: single nucleotide variant.
Coding change: c.5254C>T on transcript NM_015346.4 (MANE Select); coding-DNA position 5254, C replaced by T.
Protein change: p.Gln1752Ter; replaces glutamine 1752 with a stop codon.
Molecular consequence: nonsense.
Genome position (GRCh38, 1-based): chr14:67,775,082, G>A on the plus strand (C>T on the coding strand, the complement: ZFYVE26 is on the minus strand). VCF-style: chr14-67775082-G-A. GRCh37 (hg19) VCF-style: chr14-68241799-G-A.
Other names: short protein forms Q1752*.
Identifiers: ClinVar variation 2857800 (VCV002857800.3), dbSNP rs746079347, ClinGen allele CA390167963.